The following is an entry in ClinVar:

ClinVar aggregate classification (germline): Benign (1 of 4 stars; one submission).

Conditions:
Hennekam lymphangiectasia-lymphedema syndrome 1 (HKLLS1). Also called: LYMPHATIC DYSPLASIA, GENERALIZED. Identifiers: Orphanet 2136, MedGen C4012050, MONDO:0009337, OMIM 235510.

Allele frequency attached by ClinVar (database versions not stated): TOPMed 0.01321; gnomAD 0.01086; 1000 Genomes Project 30x 0.01405; 1000 Genomes Project 0.01198.

Submission:

Illumina Laboratory Services, Illumina
Classification: Benign for Hennekam lymphangiectasia-lymphedema syndrome 1. Last evaluated: 2018-01-13. Review status: criteria provided, single submitter. Criteria: ICSL Variant Classification Criteria 13 December 2019. Collection method: clinical testing. Allele origin: germline.
Comment: This variant was observed in the ICSL laboratory as part of a predisposition screen in an ostensibly healthy population. It had not been previously curated by ICSL or reported in the Human Gene Mutation Database (HGMD: prior to June 1st, 2018), and was therefore a candidate for classification through an automated scoring system. Utilizing variant allele frequency, disease prevalence and penetrance estimates, and inheritance mode, an automated score was calculated to assess if this variant is too frequent to cause the disease. Based on the score and internal cut-off values, a variant classified as benign is not then subjected to further curation. The score for this variant resulted in a classification of benign for this disease.

NM_133459.4(CCBE1):c.*2833C>A

Gene: CCBE1 (collagen and calcium binding EGF domains 1; minus strand). Cytogenetic location: 18q21.32.
Variant type: single nucleotide variant.
Coding change: c.*2833C>A on transcript NM_133459.4 (MANE Select); 2833 bases downstream of the stop codon, C replaced by A.
Molecular consequence: 3 prime UTR variant.
Genome position (GRCh38, 1-based): chr18:59,433,075, G>T on the plus strand (C>A on the coding strand, the complement: CCBE1 is on the minus strand). VCF-style: chr18-59433075-G-T. GRCh37 (hg19) VCF-style: chr18-57100307-G-T.
Other names: c.*2833C>A (LRG_1209t1).
Identifiers: ClinVar variation 327627 (VCV000327627.5), dbSNP rs73450357, ClinGen allele CA10648001.